The following is an entry in ClinVar:

NM_033380.3(COL4A5):c.1517-18T>A

Gene: COL4A5 (collagen type IV alpha 5 chain; plus strand). Cytogenetic location: Xq22.3.
Variant type: single nucleotide variant.
Coding change: c.1517-18T>A on transcript NM_033380.3 (MANE Select); 18 bases into the intron before coding-DNA position 1517, T replaced by A.
Molecular consequence: intron variant.
Genome position (GRCh38, 1-based): chrX:108,596,980, T>A. VCF-style: chrX-108596980-T-A. GRCh37 (hg19) VCF-style: chrX-107840210-T-A.
Other names: c.1517-18T>A (NM_000495.5).
Identifiers: ClinVar variation 2744770 (VCV002744770.3), dbSNP rs2524305089, ClinGen allele CA2697544712.

ClinVar aggregate classification (germline): Uncertain significance (1 of 4 stars; one submission).

Submission:

Labcorp Genetics (formerly Invitae), Labcorp
Classification: Uncertain significance. Last evaluated: 2023-07-18. Review status: criteria provided, single submitter. Criteria: Invitae Variant Classification Sherloc (09022015). Collection method: clinical testing. Allele origin: germline.
Comment: This variant has not been reported in the literature in individuals affected with COL4A5-related conditions. In summary, the available evidence is currently insufficient to determine the role of this variant in disease. Therefore, it has been classified as a Variant of Uncertain Significance. Algorithms developed to predict the effect of sequence changes on RNA splicing suggest that this variant may disrupt the consensus splice site. This variant is not present in population databases (gnomAD no frequency). This sequence change falls in intron 22 of the COL4A5 gene. It does not directly change the encoded amino acid sequence of the COL4A5 protein.